The following is an entry in ClinVar:

NM_006268.5(DPF2):c.239G>A (p.Arg80Gln)

Gene: DPF2 (double PHD fingers 2; plus strand). Cytogenetic location: 11q13.1.
Variant type: single nucleotide variant.
Coding change: c.239G>A on transcript NM_006268.5 (MANE Select); coding-DNA position 239, G replaced by A.
Protein change: p.Arg80Gln; replaces arginine 80 with glutamine.
Molecular consequence: missense variant.
Genome position (GRCh38, 1-based): chr11:65,341,011, G>A. VCF-style: chr11-65341011-G-A. GRCh37 (hg19) VCF-style: chr11-65108482-G-A.
Other names: c.239G>A, p.Arg80Gln (NM_001330308.2); short protein forms R80Q.
Identifiers: ClinVar variation 3682415 (VCV003682415.2).

ClinVar aggregate classification (germline): Uncertain significance (1 of 4 stars; one submission).

gnomAD v4.1: 8 of 1,614,032 alleles (0.0005%); highest among the groups gnomAD compares: Non-Finnish European, 0.00068%; no homozygotes.

Submission:

Labcorp Genetics (formerly Invitae), Labcorp
Classification: Uncertain significance. Last evaluated: 2024-10-27. Review status: criteria provided, single submitter. Criteria: Invitae Variant Classification Sherloc (09022015). Collection method: clinical testing. Allele origin: germline.
Comment: This sequence change replaces arginine, which is basic and polar, with glutamine, which is neutral and polar, at codon 80 of the DPF2 protein (p.Arg80Gln). This variant is present in population databases (no rsID available, gnomAD 0.002%). This variant has not been reported in the literature in individuals affected with DPF2-related conditions. An algorithm developed to predict the effect of missense changes on protein structure and function (PolyPhen-2) suggests that this variant is likely to be disruptive. In summary, the available evidence is currently insufficient to determine the role of this variant in disease. Therefore, it has been classified as a Variant of Uncertain Significance.